The following is an entry in ClinVar:

ClinVar aggregate classification (germline): Likely benign. Review status: criteria provided, multiple submitters, no conflicts (2 of 4 stars). 8 submissions from 8 submitters: Likely benign (8). Last evaluated 2026-01-06.

Conditions:
Cardiovascular phenotype. Identifiers: MedGen CN230736.
Cardiomyopathy (CMYO). Also called: Cardiomyopathies. Identifiers: Orphanet 167848, MedGen C0878544, MONDO:0004994, HP:0001638. Inheritance: Various modes of inheritance.
Hypertrophic cardiomyopathy. Also called: HYPERTROPHIC MYOCARDIOPATHY. Identifiers: Orphanet 217569, MedGen C0007194, MeSH D002312, MONDO:0005045, HP:0001639.

Allele frequency attached by ClinVar (database versions not stated): ESP Exome Variant Server 0.00015; TOPMed 0.00018.
gnomAD v4.1: 44 of 1,613,960 alleles (0.0027%); highest among the groups gnomAD compares: African/African-American, 0.041%; no homozygotes.

Submissions (8):

Labcorp Genetics (formerly Invitae), Labcorp
Classification: Likely benign for Hypertrophic cardiomyopathy. Last evaluated: 2026-01-06. Review status: criteria provided, single submitter. Criteria: Invitae Variant Classification Sherloc (09022015). Collection method: clinical testing. Allele origin: germline.

CeGaT Center for Human Genetics Tuebingen
Classification: Likely benign. Last evaluated: 2026-01-01. Review status: criteria provided, single submitter. Criteria: CeGaT Center For Human Genetics Tuebingen Variant Classification Criteria Version 2. Collection method: clinical testing. Allele origin: germline. Affected: yes. Observed: 1 variant allele.
Comment: MYH7: BP4, BP7

All of Us Research Program, National Institutes of Health
Classification: Likely benign for Cardiomyopathy. Last evaluated: 2024-05-09. Review status: criteria provided, single submitter. Criteria: ACMG Guidelines, 2015. Collection method: clinical testing. Allele origin: germline. Inheritance: Autosomal dominant inheritance. Observed: 13 variant alleles, 13 heterozygotes.
Comment: This study involves interpretation of variants in research participants for the purpose of population health screening. Participant phenotype was not available at the time of variant classification. Additional details can be found in publication PMID: 35346344, PMCID: PMC8962531

Women's Health and Genetics/Laboratory Corporation of America, LabCorp
Classification: Likely benign. Last evaluated: 2023-05-06. Review status: criteria provided, single submitter. Criteria: LabCorp Variant Classification Summary - May 2015. Collection method: clinical testing. Allele origin: germline.

CHEO Genetics Diagnostic Laboratory, Children's Hospital of Eastern Ontario
Classification: Likely benign for Cardiomyopathy. Last evaluated: 2023-02-15. Review status: criteria provided, single submitter. Criteria: ACMG Guidelines, 2015. Collection method: clinical testing. Allele origin: germline.

Color Diagnostics, LLC DBA Color Health
Classification: Likely benign for Cardiomyopathy. Last evaluated: 2018-12-04. Review status: criteria provided, single submitter. Criteria: ACMG Guidelines, 2015. Collection method: clinical testing. Allele origin: germline.

GeneDx
Classification: Likely benign. Last evaluated: 2017-07-07. Review status: criteria provided, single submitter. Criteria: GeneDx Variant Classification (06012015). Collection method: clinical testing. Allele origin: germline. Affected: yes.
Comment: This variant is considered likely benign or benign based on one or more of the following criteria: it is a conservative change, it occurs at a poorly conserved position in the protein, it is predicted to be benign by multiple in silico algorithms, and/or has population frequency not consistent with disease.

Ambry Genetics
Classification: Likely benign for Cardiovascular phenotype. Last evaluated: 2017-04-27. Review status: criteria provided, single submitter. Criteria: Ambry Variant Classification Scheme 2023. Collection method: clinical testing. Allele origin: germline.

NM_000257.4(MYH7):c.3789G>A (p.Ala1263=)

Gene: MYH7 (myosin heavy chain 7; minus strand). Cytogenetic location: 14q11.2.
Variant type: single nucleotide variant.
Coding change: c.3789G>A on transcript NM_000257.4 (MANE Select); coding-DNA position 3789, G replaced by A.
Protein change: p.Ala1263=; no amino-acid change (alanine 1263 retained).
Molecular consequence: synonymous variant.
Genome position (GRCh38, 1-based): chr14:23,419,547, C>T on the plus strand (G>A on the coding strand, the complement: MYH7 is on the minus strand). VCF-style: chr14-23419547-C-T. GRCh37 (hg19) VCF-style: chr14-23888756-C-T.
Other names: c.3789G>A (LRG_384t1).
Identifiers: ClinVar variation 237435 (VCV000237435.24), dbSNP rs137918672, ClinGen allele CA038883.